The following is an entry in ClinVar:

ClinVar aggregate classification (germline): Conflicting classifications of pathogenicity. Review status: criteria provided, conflicting classifications (1 of 4 stars). 8 submissions from 8 submitters: Uncertain significance (2); Likely benign (6). Last evaluated 2026-05-05.

Conditions:
SACS-related disorder. Also called: SACS-related condition.
Spastic paraplegia. Identifiers: MedGen C0037772, HP:0001258.
Hereditary spastic paraplegia. Also called: Familial spastic paraparesis. Identifiers: Orphanet 685, MedGen C0037773, MONDO:0019064. Disease mechanism: loss of function.
Charlevoix-Saguenay spastic ataxia (SACS). Also called: SPASTIC ATAXIA 6, AUTOSOMAL RECESSIVE; AUTOSOMAL RECESSIVE SPASTIC ATAXIA OF CHARLEVOIX-SAGUENAY; Spastic ataxia of Charlevoix-Saguenay. Identifiers: Orphanet 98, MedGen C1849140, MONDO:0010041, OMIM 270550.

Allele frequency attached by ClinVar (database versions not stated): gnomAD exomes 0.00008 and 0.00014; ExAC 0.00016; TOPMed 0.00019; gnomAD 0.00025 and 0.00026; ESP Exome Variant Server 0.00031.
gnomAD v4.1: 152 of 1,613,810 alleles (0.0094%); highest among the groups gnomAD compares: African/African-American, 0.036%; no homozygotes.

Submissions (8):

PreventionGenetics, part of Exact Sciences
Classification: Likely benign for SACS-related condition. Last evaluated: 2026-05-05. Review status: criteria provided, single submitter. Criteria: ACMG Guidelines, 2015. Collection method: clinical testing. Allele origin: germline.
Comment: This variant is classified as likely benign based on ACMG/AMP sequence variant interpretation guidelines (Richards et al. 2015 PMID: 25741868, with internal and published modifications).

Labcorp Genetics (formerly Invitae), Labcorp
Classification: Likely benign for Spastic paraplegia. Last evaluated: 2026-01-28. Review status: criteria provided, single submitter. Criteria: Invitae Variant Classification Sherloc (09022015). Collection method: clinical testing. Allele origin: germline.

CeGaT Center for Human Genetics Tuebingen
Classification: Likely benign. Last evaluated: 2025-12-01. Review status: criteria provided, single submitter. Criteria: CeGaT Center For Human Genetics Tuebingen Variant Classification Criteria Version 2. Collection method: clinical testing. Allele origin: germline. Affected: yes. Observed: 2 variant alleles.
Comment: SACS: BP4, BP7

Mayo Clinic Laboratories, Mayo Clinic
Classification: Likely benign. Last evaluated: 2025-08-14. Review status: criteria provided, single submitter. Criteria: ACMG Guidelines, 2015. Collection method: clinical testing. Allele origin: germline. Observed: 2 variant alleles.
Comment: BP4, BP7

Laboratory of Genetics, Children's Clinical University Hospital Latvia
Classification: Likely benign. Last evaluated: 2025-02-16. Review status: criteria provided, single submitter. Criteria: ACMG Guidelines, 2015. Collection method: clinical testing. Allele origin: germline. Affected: yes.

Genome-Nilou Lab
Classification: Likely benign for Charlevoix-Saguenay spastic ataxia. Last evaluated: 2021-09-05. Review status: criteria provided, single submitter. Criteria: ACMG Guidelines, 2015. Collection method: clinical testing. Allele origin: germline. Affected: no.

Genome Diagnostics Laboratory, The Hospital for Sick Children
Classification: Uncertain significance for Hereditary spastic paraplegia. Last evaluated: 2021-04-26. Review status: criteria provided, single submitter. Criteria: ACMG Guidelines, 2015. Collection method: clinical testing. Allele origin: germline. Affected: yes.

Illumina Laboratory Services, Illumina
Classification: Uncertain significance for Charlevoix-Saguenay spastic ataxia. Last evaluated: 2018-01-13. Review status: criteria provided, single submitter. Criteria: ICSL Variant Classification Criteria 13 December 2019. Collection method: clinical testing. Allele origin: germline.

NM_014363.6(SACS):c.12438G>A (p.Ser4146=)

Gene: SACS (sacsin molecular chaperone; minus strand). Cytogenetic location: 13q12.12.
Variant type: single nucleotide variant.
Coding change: c.12438G>A on transcript NM_014363.6 (MANE Select); coding-DNA position 12438, G replaced by A.
Protein change: p.Ser4146=; no amino-acid change (serine 4146 retained).
Molecular consequence: synonymous variant.
Genome position (GRCh38, 1-based): chr13:23,331,438, C>T on the plus strand (G>A on the coding strand, the complement: SACS is on the minus strand). VCF-style: chr13-23331438-C-T. GRCh37 (hg19) VCF-style: chr13-23905577-C-T.
Other names: p.Ser4146=; c.11997G>A, p.Ser3999= (NM_001278055.2).
Identifiers: ClinVar variation 311501 (VCV000311501.43), dbSNP rs150959878, ClinGen allele CA6910143.